The following is an entry in ClinVar:

ClinVar aggregate classification (germline): Uncertain significance. Review status: criteria provided, multiple submitters, no conflicts (2 of 4 stars). 2 submissions from 2 submitters: Uncertain significance (2). Last evaluated 2025-03-30.

Conditions:
Inborn genetic diseases. Identifiers: MedGen C0950123, MeSH D030342.

Allele frequency attached by ClinVar (database versions not stated): TOPMed 0.00001; gnomAD 0.00001; gnomAD exomes below 0.00001.
gnomAD v4.1: 2 of 1,209,646 alleles (0.00017%); highest among the groups gnomAD compares: African/African-American, 0.0018%; no homozygotes.

Submissions (2):

Ambry Genetics
Classification: Uncertain significance for Inborn genetic diseases. Last evaluated: 2025-03-30. Review status: criteria provided, single submitter. Criteria: Ambry Variant Classification Scheme 2023. Collection method: clinical testing. Allele origin: germline.

GeneDx
Classification: Uncertain significance. Last evaluated: 2022-07-01. Review status: criteria provided, single submitter. Criteria: GeneDx Variant Classification Process June 2021. Collection method: clinical testing. Allele origin: germline. Affected: yes.
Comment: Not observed at significant frequency in large population cohorts (gnomAD); In silico analysis supports that this missense variant has a deleterious effect on protein structure/function; Has not been previously published as pathogenic or benign to our knowledge

NM_033380.3(COL4A5):c.4670C>T (p.Pro1557Leu)

Gene: COL4A5 (collagen type IV alpha 5 chain; plus strand). Cytogenetic location: Xq22.3.
Variant type: single nucleotide variant.
Coding change: c.4670C>T on transcript NM_033380.3 (MANE Select); coding-DNA position 4670, C replaced by T.
Protein change: p.Pro1557Leu; replaces proline 1557 with leucine.
Molecular consequence: missense variant.
Genome position (GRCh38, 1-based): chrX:108,692,889, C>T. VCF-style: chrX-108692889-C-T. GRCh37 (hg19) VCF-style: chrX-107936119-C-T.
Other names: c.4652C>T, p.Pro1551Leu (NM_000495.5); c.4652C>T (NM_000495.3); short protein forms P1551L, P1557L.
Identifiers: ClinVar variation 1809966 (VCV001809966.2), dbSNP rs1249698475, ClinGen allele CA413855722.